The following is an entry in ClinVar:

NM_015330.6(SPECC1L):c.1942G>A (p.Glu648Lys)

Genes: SPECC1L (sperm antigen with calponin homology and coiled-coil domains 1 like; plus strand), SPECC1L-ADORA2A (SPECC1L-ADORA2A readthrough (NMD candidate); plus strand). Cytogenetic location: 22q11.23.
Variant type: single nucleotide variant.
Coding change: c.1942G>A on transcript NM_015330.6 (MANE Select); coding-DNA position 1942, G replaced by A.
Protein change: p.Glu648Lys; replaces glutamic acid 648 with lysine.
Molecular consequence: missense variant. On other transcripts: non-coding transcript variant (1).
Genome position (GRCh38, 1-based): chr22:24,324,223, G>A. VCF-style: chr22-24324223-G-A. GRCh37 (hg19) VCF-style: chr22-24720191-G-A.
Other names: c.1942G>A, p.Glu648Lys (NM_001145468.4, NM_001254732.3); short protein forms E648K.
Identifiers: ClinVar variation 4691606 (VCV004691606.1).
Genomic context (GRCh38, chr22:24,324,223, plus strand): 5'-AACGTACCTTAGAACAACTCTTAACTTTTCTAAATCTGCATCGTCAATTTTACGTAGGTA[G>A]AGGATGAATACCGAGCCTTCCAAGAAGAAGCTAAGAAACAAATTGAAGATTTGAATATGA-3'
Protein context (NP_056145.5, residues 638-658): NRLQDAIAKV[Glu648Lys]DEYRAFQEEA

ClinVar aggregate classification (germline): Uncertain significance (1 of 4 stars; one submission).

gnomAD v4.1: 21 of 1,613,330 alleles (0.0013%); highest among the groups gnomAD compares: African/African-American, 0.0067%; no homozygotes.

Submission:

Labcorp Genetics (formerly Invitae), Labcorp
Classification: Uncertain significance. Last evaluated: 2025-03-04. Review status: criteria provided, single submitter. Criteria: Invitae Variant Classification Sherloc (09022015). Collection method: clinical testing. Allele origin: germline.
Comment: This sequence change replaces glutamic acid, which is acidic and polar, with lysine, which is basic and polar, at codon 648 of the SPECC1L protein (p.Glu648Lys). This variant is present in population databases (rs764487800, gnomAD 0.008%). This variant has not been reported in the literature in individuals affected with SPECC1L-related conditions. Invitae Evidence Modeling of protein sequence and biophysical properties (such as structural, functional, and spatial information, amino acid conservation, physicochemical variation, residue mobility, and thermodynamic stability) indicates that this missense variant is expected to disrupt SPECC1L protein function with a positive predictive value of 80%. In summary, the available evidence is currently insufficient to determine the role of this variant in disease. Therefore, it has been classified as a Variant of Uncertain Significance.